The following is an entry in ClinVar:

NM_001146.5(ANGPT1):c.1153G>C (p.Ala385Pro)

Gene: ANGPT1 (angiopoietin 1; minus strand). Cytogenetic location: 8q23.1.
Variant type: single nucleotide variant.
Coding change: c.1153G>C on transcript NM_001146.5 (MANE Select); coding-DNA position 1153, G replaced by C.
Protein change: p.Ala385Pro; replaces alanine 385 with proline.
Molecular consequence: missense variant.
Genome position (GRCh38, 1-based): chr8:107,284,734, C>G on the plus strand (G>C on the coding strand, the complement: ANGPT1 is on the minus strand). VCF-style: chr8-107284734-C-G. GRCh37 (hg19) VCF-style: chr8-108296962-C-G.
Other names: c.1150G>C, p.Ala384Pro (NM_001199859.3); c.553G>C, p.Ala185Pro (NM_001314051.2); short protein forms A185P, A384P, A385P.
Identifiers: ClinVar variation 2120594 (VCV002120594.4), dbSNP rs1814097216, ClinGen allele CA372032660.

ClinVar aggregate classification (germline): Uncertain significance (1 of 4 stars; one submission).

Submission:

Labcorp Genetics (formerly Invitae), Labcorp
Classification: Uncertain significance. Last evaluated: 2024-02-24. Review status: criteria provided, single submitter. Criteria: Invitae Variant Classification Sherloc (09022015). Collection method: clinical testing. Allele origin: germline.
Comment: This sequence change replaces alanine, which is neutral and non-polar, with proline, which is neutral and non-polar, at codon 385 of the ANGPT1 protein (p.Ala385Pro). This variant is not present in population databases (gnomAD no frequency). This variant has not been reported in the literature in individuals affected with ANGPT1-related conditions. ClinVar contains an entry for this variant (Variation ID: 2120594). An algorithm developed to predict the effect of missense changes on protein structure and function (PolyPhen-2) suggests that this variant is likely to be disruptive. In summary, the available evidence is currently insufficient to determine the role of this variant in disease. Therefore, it has been classified as a Variant of Uncertain Significance.